The following is an entry in ClinVar:

NM_000553.6(WRN):c.1886C>T (p.Thr629Ile)

Gene: WRN (WRN RecQ like helicase; plus strand). Cytogenetic location: 8p12.
Variant type: single nucleotide variant.
Coding change: c.1886C>T on transcript NM_000553.6 (MANE Select); coding-DNA position 1886, C replaced by T.
Protein change: p.Thr629Ile; replaces threonine 629 with isoleucine.
Molecular consequence: missense variant.
Genome position (GRCh38, 1-based): chr8:31,091,886, C>T. VCF-style: chr8-31091886-C-T. GRCh37 (hg19) VCF-style: chr8-30949402-C-T.
Other names: short protein forms T629I.
Identifiers: ClinVar variation 850132 (VCV000850132.6), dbSNP rs757722268, ClinGen allele CA4704518.

ClinVar aggregate classification (germline): Uncertain significance (1 of 4 stars; one submission).

Conditions:
Werner syndrome (WRN). Identifiers: Orphanet 902, MedGen C0043119, MONDO:0010196, OMIM 277700.

Allele frequency attached by ClinVar (database versions not stated): gnomAD exomes below 0.00001 and 0.00001; ExAC 0.00002.
gnomAD v4.1: 5 of 1,612,824 alleles (0.00031%); highest among the groups gnomAD compares: Non-Finnish European, 0.00034%; no homozygotes.

Submission:

Labcorp Genetics (formerly Invitae), Labcorp
Classification: Uncertain significance for Werner syndrome. Last evaluated: 2025-03-18. Review status: criteria provided, single submitter. Criteria: Invitae Variant Classification Sherloc (09022015). Collection method: clinical testing. Allele origin: germline.
Comment: This sequence change replaces threonine, which is neutral and polar, with isoleucine, which is neutral and non-polar, at codon 629 of the WRN protein (p.Thr629Ile). This variant is present in population databases (rs757722268, gnomAD 0.003%). This variant has not been reported in the literature in individuals affected with WRN-related conditions. ClinVar contains an entry for this variant (Variation ID: 850132). An algorithm developed to predict the effect of missense changes on protein structure and function (PolyPhen-2) suggests that this variant is likely to be tolerated. In summary, the available evidence is currently insufficient to determine the role of this variant in disease. Therefore, it has been classified as a Variant of Uncertain Significance.